The following is an entry in ClinVar:

ClinVar aggregate classification (germline): Likely benign (1 of 4 stars; one submission).

Submission:

CeGaT Center for Human Genetics Tuebingen
Classification: Likely benign. Last evaluated: 2025-08-01. Review status: criteria provided, single submitter. Criteria: CeGaT Center For Human Genetics Tuebingen Variant Classification Criteria Version 2. Collection method: clinical testing. Allele origin: germline. Affected: yes. Observed: 1 variant allele.
Comment: C19orf44: BP4, BP7

NM_032207.4(C19orf44):c.501C>T (p.Asn167=)

Gene: C19orf44 (chromosome 19 open reading frame 44; plus strand). Cytogenetic location: 19p13.11.
Variant type: single nucleotide variant.
Coding change: c.501C>T on transcript NM_032207.4 (MANE Select); coding-DNA position 501, C replaced by T.
Protein change: p.Asn167=; no amino-acid change (asparagine 167 retained).
Molecular consequence: synonymous variant.
Genome position (GRCh38, 1-based): chr19:16,501,293, C>T. VCF-style: chr19-16501293-C-T. GRCh37 (hg19) VCF-style: chr19-16612104-C-T.
Other names: c.501C>T, p.Asn167= (NM_001288834.2).
Identifiers: ClinVar variation 4084521 (VCV004084521.8).